The following is an entry in ClinVar:

ClinVar aggregate classification (germline): Benign/Likely benign. Review status: criteria provided, multiple submitters, no conflicts (2 of 4 stars). 11 submissions from 10 submitters: Benign (7); Likely benign (2). 2 of the submissions do not count toward it. Last evaluated 2026-01-29.

Conditions:
Holoprosencephaly 7 (HPE7). Identifiers: Orphanet 2162, MedGen C1835820, MONDO:0012562, OMIM 610828.
Hereditary cancer-predisposing syndrome. Also called: Tumor predisposition; Hereditary Cancer Syndrome; Neoplastic Syndromes, Hereditary; Hereditary neoplastic syndrome. Identifiers: Orphanet 140162, MedGen C0027672, MeSH D009386, MONDO:0015356.
Gorlin syndrome. Also called: Nevoid Basal Cell Carcinoma Syndrome; Basal cell nevus syndrome. Identifiers: Orphanet 377, MedGen C0004779, MONDO:0007187.

Allele frequency attached by ClinVar (database versions not stated): TOPMed 0.00075; 1000 Genomes Project 30x 0.00265; 1000 Genomes Project 0.00280; gnomAD 0.00281.
gnomAD v4.1: 1,190 of 1,600,892 alleles (0.074%); highest among the groups gnomAD compares: East Asian, 1.2%; 9 homozygotes.

Submissions (11):

Labcorp Genetics (formerly Invitae), Labcorp
Classification: Benign for Gorlin syndrome. Last evaluated: 2026-01-29. Review status: criteria provided, single submitter. Criteria: Invitae Variant Classification Sherloc (09022015). Collection method: clinical testing. Allele origin: germline.

Quest Diagnostics Nichols Institute San Juan Capistrano
Classification: Benign. Last evaluated: 2025-09-19. Review status: criteria provided, single submitter. Criteria: Quest Diagnostics criteria. Collection method: clinical testing. Allele origin: unknown.

Center for Genomic Medicine, Rigshospitalet, Copenhagen University Hospital
Classification: Benign. Last evaluated: 2025-03-04. Review status: criteria provided, single submitter. Criteria: ACMG Guidelines, 2015. Collection method: clinical testing. Allele origin: germline.

CeGaT Center for Human Genetics Tuebingen
Classification: Likely benign. Last evaluated: 2025-02-01. Review status: criteria provided, single submitter. Criteria: CeGaT Center For Human Genetics Tuebingen Variant Classification Criteria Version 2. Collection method: clinical testing. Allele origin: germline. Affected: yes. Observed: 5 variant alleles.
Comment: PTCH1: PM5, BS1

Blueprint Genetics
Classification: Likely benign. Last evaluated: 2024-11-22. Review status: criteria provided, single submitter. Criteria: ACMG Guidelines, 2015. Collection method: clinical testing. Allele origin: germline.

GeneDx
Classification: Benign. Last evaluated: 2018-04-12. Review status: criteria provided, single submitter. Criteria: GeneDx Variant Classification (06012015). Collection method: clinical testing. Allele origin: germline. Affected: yes.
Comment: This variant is considered likely benign or benign based on one or more of the following criteria: it is a conservative change, it occurs at a poorly conserved position in the protein, it is predicted to be benign by multiple in silico algorithms, and/or has population frequency not consistent with disease.

Illumina Laboratory Services, Illumina
Classification: Benign for Holoprosencephaly 7. Last evaluated: 2018-01-12. Review status: criteria provided, single submitter. Criteria: ICSL Variant Classification Criteria 13 December 2019. Collection method: clinical testing. Allele origin: germline.
Comment: This variant was observed in the ICSL laboratory as part of a predisposition screen in an ostensibly healthy population. It had not been previously curated by ICSL or reported in the Human Gene Mutation Database (HGMD: prior to June 1st, 2018), and was therefore a candidate for classification through an automated scoring system. Utilizing variant allele frequency, disease prevalence and penetrance estimates, and inheritance mode, an automated score was calculated to assess if this variant is too frequent to cause the disease. Based on the score and internal cut-off values, a variant classified as benign is not then subjected to further curation. The score for this variant resulted in a classification of benign for this disease.

Illumina Laboratory Services, Illumina
Classification: Benign for Basal cell nevus syndrome 1. Last evaluated: 2018-01-12. Review status: criteria provided, single submitter. Criteria: ICSL Variant Classification Criteria 13 December 2019. Collection method: clinical testing. Allele origin: germline.
Comment: the same text as in the submission from Illumina Laboratory Services, Illumina above.

Ambry Genetics
Classification: Benign for Hereditary cancer-predisposing syndrome. Last evaluated: 2016-12-13. Review status: criteria provided, single submitter. Criteria: Ambry Variant Classification Scheme 2023. Collection method: clinical testing. Allele origin: germline.

Genome Diagnostics Laboratory, Amsterdam University Medical Center
Classification: Benign. Review status: no assertion criteria provided. Collection method: clinical testing. Allele origin: germline. Affected: yes. Study: VKGL Data-share Consensus. Not counted in ClinVar's aggregate classification.

Laboratory of Diagnostic Genome Analysis, Leiden University Medical Center (LUMC)
Classification: Likely benign. Review status: no assertion criteria provided. Collection method: clinical testing. Allele origin: germline. Affected: yes. Study: VKGL Data-share Consensus. Not counted in ClinVar's aggregate classification.

NM_000264.5(PTCH1):c.109G>C (p.Gly37Arg)

Genes: PTCH1 (patched 1; minus strand), LOC130002133 (ATAC-STARR-seq lymphoblastoid silent region 20071; plus strand). Cytogenetic location: 9q22.32.
Variant type: single nucleotide variant.
Coding change: c.109G>C on transcript NM_000264.5 (MANE Select); coding-DNA position 109, G replaced by C.
Protein change: p.Gly37Arg; replaces glycine 37 with arginine.
Molecular consequence: missense variant. On other transcripts: non-coding transcript variant (1), intron variant (3).
Genome position (GRCh38, 1-based): chr9:95,508,253, C>G on the plus strand (G>C on the coding strand, the complement: PTCH1 is on the minus strand). VCF-style: chr9-95508253-C-G. GRCh37 (hg19) VCF-style: chr9-98270535-C-G.
Other names: c.109G>C, p.Gly37Arg (NM_001354918.2); c.199-1654G>C (NM_001083603.3); c.4-1654G>C (NM_001083602.3, NM_001354919.2); short protein forms G37R.
Identifiers: ClinVar variation 237450 (VCV000237450.48), dbSNP rs199976372, ClinGen allele CA5139048.
Genomic context (GRCh38, chr9:95,508,253, plus strand): 5'-CGCAGTAGCTGGGCCGGTGCAGATAGTCCCGGTCCGGCGCGGCAGCACGGCGCAGCCCCC[C>G]CGTCCGTCTGCGCCTCCCGCCTCCAGCCGGCCGTCCCGGGGCACCGATACAGCCGCTGCC-3'
Protein context (NP_000255.2, residues 27-47): PAGGGRRRRT[Gly37Arg]GLRRAAAPDR